The following is an entry in ClinVar:

NM_033026.6(PCLO):c.8703T>G (p.Ser2901Arg)

Gene: PCLO (piccolo presynaptic cytomatrix protein; minus strand). Cytogenetic location: 7q21.11.
Variant type: single nucleotide variant.
Coding change: c.8703T>G on transcript NM_033026.6 (MANE Select); coding-DNA position 8703, T replaced by G.
Protein change: p.Ser2901Arg; replaces serine 2901 with arginine.
Molecular consequence: missense variant.
Genome position (GRCh38, 1-based): chr7:82,952,250, A>C on the plus strand (T>G on the coding strand, the complement: PCLO is on the minus strand). VCF-style: chr7-82952250-A-C. GRCh37 (hg19) VCF-style: chr7-82581566-A-C.
Other names: c.8703T>G, p.Ser2901Arg (NM_014510.3); short protein forms S2901R.
Identifiers: ClinVar variation 1714086 (VCV001714086.5), dbSNP rs1252182587, ClinGen allele CA367910326.

ClinVar aggregate classification (germline): Uncertain significance (1 of 4 stars; one submission).

Allele frequency attached by ClinVar (database versions not stated): TOPMed below 0.00001.
gnomAD v4.1: 33 of 1,613,882 alleles (0.002%); highest among the groups gnomAD compares: Non-Finnish European, 0.0027%; no homozygotes.

Submission:

Labcorp Genetics (formerly Invitae), Labcorp
Classification: Uncertain significance. Last evaluated: 2022-07-29. Review status: criteria provided, single submitter. Criteria: Invitae Variant Classification Sherloc (09022015). Collection method: clinical testing. Allele origin: germline.
Comment: In summary, the available evidence is currently insufficient to determine the role of this variant in disease. Therefore, it has been classified as a Variant of Uncertain Significance. Algorithms developed to predict the effect of missense changes on protein structure and function are either unavailable or do not agree on the potential impact of this missense change (SIFT: "Deleterious"; PolyPhen-2: "Not Available"; Align-GVGD: "Class C0"). This variant has not been reported in the literature in individuals affected with PCLO-related conditions. This variant is not present in population databases (gnomAD no frequency). This sequence change replaces serine, which is neutral and polar, with arginine, which is basic and polar, at codon 2901 of the PCLO protein (p.Ser2901Arg).